The following is an entry in ClinVar:

ClinVar aggregate classification (germline): Uncertain significance (1 of 4 stars; one submission).

Submission:

Labcorp Genetics (formerly Invitae), Labcorp
Classification: Uncertain significance. Last evaluated: 2023-06-02. Review status: criteria provided, single submitter. Criteria: Invitae Variant Classification Sherloc (09022015). Collection method: clinical testing. Allele origin: germline.
Comment: This variant has not been reported in the literature in individuals affected with NOTCH3-related conditions. This variant is not present in population databases (gnomAD no frequency). This sequence change replaces cysteine, which is neutral and slightly polar, with phenylalanine, which is neutral and non-polar, at codon 408 of the NOTCH3 protein (p.Cys408Phe). Advanced modeling of protein sequence and biophysical properties (such as structural, functional, and spatial information, amino acid conservation, physicochemical variation, residue mobility, and thermodynamic stability) performed at Invitae indicates that this missense variant is expected to disrupt NOTCH3 protein function. In summary, the available evidence is currently insufficient to determine the role of this variant in disease. Therefore, it has been classified as a Variant of Uncertain Significance.

NM_000435.3(NOTCH3):c.1223G>T (p.Cys408Phe)

Gene: NOTCH3 (notch receptor 3; minus strand). Cytogenetic location: 19p13.12.
Variant type: single nucleotide variant.
Coding change: c.1223G>T on transcript NM_000435.3 (MANE Select); coding-DNA position 1223, G replaced by T.
Protein change: p.Cys408Phe; replaces cysteine 408 with phenylalanine.
Molecular consequence: missense variant.
Genome position (GRCh38, 1-based): chr19:15,189,144, C>A on the plus strand (G>T on the coding strand, the complement: NOTCH3 is on the minus strand). VCF-style: chr19-15189144-C-A. GRCh37 (hg19) VCF-style: chr19-15299955-C-A.
Other names: short protein forms C408F.
Identifiers: ClinVar variation 2756601 (VCV002756601.3), dbSNP rs2145436468, ClinGen allele CA404528356.